The following is an entry in ClinVar:

NM_006648.4(WNK2):c.3148C>T (p.Leu1050Phe)

Gene: WNK2 (WNK lysine deficient protein kinase 2; plus strand). Cytogenetic location: 9q22.31.
Variant type: single nucleotide variant.
Coding change: c.3148C>T on transcript NM_006648.4 (MANE Select); coding-DNA position 3148, C replaced by T.
Protein change: p.Leu1050Phe; replaces leucine 1050 with phenylalanine.
Molecular consequence: missense variant.
Genome position (GRCh38, 1-based): chr9:93,261,895, C>T. VCF-style: chr9-93261895-C-T. GRCh37 (hg19) VCF-style: chr9-96024177-C-T.
Other names: c.3148C>T, p.Leu1050Phe (NM_001282394.3); short protein forms L1050F.
Identifiers: ClinVar variation 4605240 (VCV004605240.1).

ClinVar aggregate classification (germline): Uncertain significance (1 of 4 stars; one submission).

Submission:

Ambry Genetics
Classification: Uncertain significance. Last evaluated: 2025-10-11. Review status: criteria provided, single submitter. Criteria: Ambry Variant Classification Scheme 2023. Collection method: clinical testing. Allele origin: germline.
Comment: The p.L1050F variant (also known as c.3148C>T), located in coding exon 12 of the WNK2 gene, results from a C to T substitution at nucleotide position 3148. The leucine at codon 1050 is replaced by phenylalanine, an amino acid with highly similar properties. This amino acid position is conserved. In addition, this alteration is predicted to be tolerated by in silico analysis. Based on the available evidence, the clinical significance of this variant remains unclear.